The following is an entry in ClinVar:

ClinVar aggregate classification (germline): Conflicting classifications of pathogenicity. Review status: criteria provided, conflicting classifications (1 of 4 stars). 3 submissions from 3 submitters: Pathogenic (1); Likely pathogenic (1); Uncertain significance (1). Last evaluated 2025-12-26.

Conditions:
Very long chain acyl-CoA dehydrogenase deficiency (ACADVLD). Also called: VLCAD Deficiency; Very Long-Chain Acyl-Coenzyme A Dehydrogenase Deficiency. Identifiers: Orphanet 26793, MedGen C3887523, MONDO:0008723, OMIM 201475.

Allele frequency attached by ClinVar (database versions not stated): gnomAD exomes 0.00001; ExAC 0.00002; gnomAD 0.00003; 1000 Genomes Project 30x 0.00016; 1000 Genomes Project 0.00020.

Submissions (3):

First Genomix Gene Laboratory, Genetic Diagnostics Department
Classification: Likely pathogenic for Very long chain acyl-CoA dehydrogenase deficiency. Last evaluated: 2025-12-26. Review status: criteria provided, single submitter. Criteria: ACMG Guidelines, 2015. Collection method: clinical testing. Allele origin: germline. Inheritance: Autosomal recessive inheritance. Affected: no. Observed: 1 variant allele.

Women's Health and Genetics/Laboratory Corporation of America, LabCorp
Classification: Uncertain significance. Last evaluated: 2025-11-24. Review status: criteria provided, single submitter. Criteria: LabCorp Variant Classification Summary - May 2015. Collection method: clinical testing. Allele origin: germline.
Comment: Variant summary: ACADVL c.946C>T (p.Arg316Trp) results in a non-conservative amino acid change in the encoded protein sequence. Algorithms developed to predict the effect of missense changes on protein structure and function all suggest that this variant is likely to be disruptive. The variant allele was found at a frequency of 1.6e-05 in 251244 control chromosomes. The available data on variant occurrences in the general population are insufficient to allow any conclusion about variant significance. c.946C>T has been observed in individual(s) affected with Very Long Chain Acyl-CoA Dehydrogenase Deficiency (internal data). These data do not allow any conclusion about variant significance. A different variant located at the same codon (c.947G>A, p.Arg316Gln) has been classified as Pathogenic in ClinVar, supporting a critical relevance of this residue to ACADVL protein function. To our knowledge, no experimental evidence demonstrating an impact on protein function has been reported. ClinVar contains an entry for this variant (Variation ID: 1988349). Based on the evidence outlined above, the variant was classified as VUS-possibly pathogenic.

Labcorp Genetics (formerly Invitae), Labcorp
Classification: Pathogenic for Very long chain acyl-CoA dehydrogenase deficiency. Last evaluated: 2025-09-14. Review status: criteria provided, single submitter. Criteria: Invitae Variant Classification Sherloc (09022015). Collection method: clinical testing. Allele origin: germline.
Comment: This sequence change replaces arginine, which is basic and polar, with tryptophan, which is neutral and slightly polar, at codon 316 of the ACADVL protein (p.Arg316Trp). This sequence change replaces arginine, which is basic and polar, with tryptophan, which is neutral and slightly polar, at codon 316 of the ACADVL protein (p.Arg316Trp). This variant is present in population databases (rs141756824, gnomAD 0.01%). This missense change has been observed in individual(s) with very long chain acyl-CoA dehydrogenase deficiency (internal data). In at least one individual the data is consistent with being in trans (on the opposite chromosome) from a pathogenic variant. ClinVar contains an entry for this variant (Variation ID: 1988349). ClinVar contains an entry for this variant (Variation ID: 1988349). Invitae Evidence Modeling of protein sequence and biophysical properties (such as structural, functional, and spatial information, amino acid conservation, physicochemical variation, residue mobility, and thermodynamic stability) indicates that this missense variant is not expected to disrupt ACADVL protein function with a negative predictive value of 80%. For these reasons, this variant has been classified as Pathogenic. This variant disrupts the p.Arg316 amino acid residue in ACADVL. Other variant(s) that disrupt this residue have been determined to be pathogenic (internal data). This suggests that this residue is clinically significant, and that variants that disrupt this residue are likely to be disease-causing. For these reasons, this variant has been classified as Pathogenic.

NM_000018.4(ACADVL):c.946C>T (p.Arg316Trp)

Gene: ACADVL (acyl-CoA dehydrogenase very long chain; plus strand). Cytogenetic location: 17p13.1.
Variant type: single nucleotide variant.
Coding change: c.946C>T on transcript NM_000018.4 (MANE Select); coding-DNA position 946, C replaced by T.
Protein change: p.Arg316Trp; replaces arginine 316 with tryptophan.
Molecular consequence: missense variant.
Genome position (GRCh38, 1-based): chr17:7,222,734, C>T. VCF-style: chr17-7222734-C-T. GRCh37 (hg19) VCF-style: chr17-7126053-C-T.
Other names: c.880C>T, p.Arg294Trp (NM_001033859.3); c.1015C>T, p.Arg339Trp (NM_001270447.2); c.718C>T, p.Arg240Trp (NM_001270448.2); short protein forms R240W, R316W, R294W, R339W.
Identifiers: ClinVar variation 1988349 (VCV001988349.6), dbSNP rs141756824, ClinGen allele CA8337909.
Genomic context (GRCh38, chr17:7,222,734, plus strand): 5'-CCTGAGAAGAAGATGGGCATCAAGGCTTCAAACACAGCAGAGGTGTTCTTTGATGGAGTA[C>T]GGGTGCCATCGGAGAACGTGCTGGGTGAGGTTGGGAGTGGCTTCAAGGTTGCCATGCACA-3'
Protein context (NP_000009.1, residues 306-326): NTAEVFFDGV[Arg316Trp]VPSENVLGEV